The following is an entry in ClinVar:

ClinVar aggregate classification (germline): Uncertain significance (1 of 4 stars; one submission).

Allele frequency attached by ClinVar (database versions not stated): gnomAD exomes below 0.00001.
gnomAD v4.1: 1 of 1,614,082 alleles (0.000062%); highest among the groups gnomAD compares: Middle Eastern, 0.016%; no homozygotes.

Submission:

Mayo Clinic Laboratories, Mayo Clinic
Classification: Uncertain significance. Last evaluated: 2023-05-14. Review status: criteria provided, single submitter. Criteria: ACMG Guidelines, 2015. Collection method: clinical testing. Allele origin: germline. Observed: 1 variant allele.
Comment: PM2_supporting

NM_005245.4(FAT1):c.11819C>T (p.Thr3940Ile)

Gene: FAT1 (FAT atypical cadherin 1; minus strand). Cytogenetic location: 4q35.2.
Variant type: single nucleotide variant.
Coding change: c.11819C>T on transcript NM_005245.4 (MANE Select); coding-DNA position 11819, C replaced by T.
Protein change: p.Thr3940Ile; replaces threonine 3940 with isoleucine.
Molecular consequence: missense variant.
Genome position (GRCh38, 1-based): chr4:186,600,182, G>A on the plus strand (C>T on the coding strand, the complement: FAT1 is on the minus strand). VCF-style: chr4-186600182-G-A. GRCh37 (hg19) VCF-style: chr4-187521336-G-A.
Other names: p.Thr3940Ile; short protein forms T3940I.
Identifiers: ClinVar variation 2682878 (VCV002682878.1), dbSNP rs2126413144, ClinGen allele CA358970449.